The following is an entry in ClinVar:

NM_001365480.1(CCDC88A):c.5395T>C (p.Tyr1799His)

Gene: CCDC88A (coiled-coil and HOOK domain protein 88A; minus strand). Cytogenetic location: 2p16.1.
Variant type: single nucleotide variant.
Coding change: c.5395T>C on transcript NM_001365480.1 (MANE Select); coding-DNA position 5395, T replaced by C.
Protein change: p.Tyr1799His; replaces tyrosine 1799 with histidine.
Molecular consequence: missense variant. On other transcripts: intron variant (1).
Genome position (GRCh38, 1-based): chr2:55,295,753, A>G on the plus strand (T>C on the coding strand, the complement: CCDC88A is on the minus strand). VCF-style: chr2-55295753-A-G. GRCh37 (hg19) VCF-style: chr2-55522889-A-G.
Other names: c.5392T>C, p.Tyr1798His (NM_001135597.2); c.5311T>C, p.Tyr1771His (NM_018084.5); c.5196-26T>C (NM_001254943.2); short protein forms Y1799H, Y1771H, Y1798H.
Identifiers: ClinVar variation 1916362 (VCV001916362.5), dbSNP rs764282431, ClinGen allele CA1665333.
Genomic context (GRCh38, chr2:55,295,753, plus strand): 5'-TCCTTCGTGTAGTTCCTTCGGCAGTTGAGATCACGCTGCTTGCACGAGGTAAAGTTGCAT[A>G]AGGGTTACTATCTTTTGATTGTCGTGACAGAGAAGATTCTTTTACTAATTTTATTTTTCC-3'
Protein context (NP_001352409.1, residues 1789-1809): LSRQSKDSNP[Tyr1799His]ATLPRASSVI

ClinVar aggregate classification (germline): Uncertain significance (1 of 4 stars; one submission).

Allele frequency attached by ClinVar (database versions not stated): TOPMed below 0.00001; gnomAD exomes 0.00001; ExAC 0.00002.
gnomAD v4.1: 13 of 1,614,202 alleles (0.00081%); highest among the groups gnomAD compares: Non-Finnish European, 0.0011%; no homozygotes.

Submission:

Labcorp Genetics (formerly Invitae), Labcorp
Classification: Uncertain significance. Last evaluated: 2022-08-11. Review status: criteria provided, single submitter. Criteria: Invitae Variant Classification Sherloc (09022015). Collection method: clinical testing. Allele origin: germline.
Comment: This variant has not been reported in the literature in individuals affected with CCDC88A-related conditions. This variant is present in population databases (rs764282431, gnomAD 0.004%). This sequence change replaces tyrosine, which is neutral and polar, with histidine, which is basic and polar, at codon 1798 of the CCDC88A protein (p.Tyr1798His). Algorithms developed to predict the effect of missense changes on protein structure and function are either unavailable or do not agree on the potential impact of this missense change (SIFT: "Deleterious"; PolyPhen-2: "Probably Damaging"; Align-GVGD: "Class C0"). In summary, the available evidence is currently insufficient to determine the role of this variant in disease. Therefore, it has been classified as a Variant of Uncertain Significance.